The following is an entry in ClinVar:

NM_001031710.3(KLHL7):c.120+6G>C

Gene: KLHL7 (kelch like family member 7; plus strand). Cytogenetic location: 7p15.3.
Variant type: single nucleotide variant.
Coding change: c.120+6G>C on transcript NM_001031710.3 (MANE Select); 6 bases into the intron after coding-DNA position 120, G replaced by C.
Molecular consequence: intron variant.
Genome position (GRCh38, 1-based): chr7:23,106,152, G>C. VCF-style: chr7-23106152-G-C. GRCh37 (hg19) VCF-style: chr7-23145771-G-C.
Other names: c.120+6G>C (NM_001172428.2).
Identifiers: ClinVar variation 3659714 (VCV003659714.2).

ClinVar aggregate classification (germline): Uncertain significance (1 of 4 stars; one submission).

Submission:

Labcorp Genetics (formerly Invitae), Labcorp
Classification: Uncertain significance. Last evaluated: 2024-07-17. Review status: criteria provided, single submitter. Criteria: Invitae Variant Classification Sherloc (09022015). Collection method: clinical testing. Allele origin: germline.
Comment: This sequence change falls in intron 1 of the KLHL7 gene. It does not directly change the encoded amino acid sequence of the KLHL7 protein. It affects a nucleotide within the consensus splice site. This variant is not present in population databases (gnomAD no frequency). This variant has not been reported in the literature in individuals affected with KLHL7-related conditions. Variants that disrupt the consensus splice site are a relatively common cause of aberrant splicing (PMID: 17576681, 9536098). Algorithms developed to predict the effect of sequence changes on RNA splicing suggest that this variant is not likely to affect RNA splicing. In summary, the available evidence is currently insufficient to determine the role of this variant in disease. Therefore, it has been classified as a Variant of Uncertain Significance.

Literature cited by the submitters: PubMed 17576681; PubMed 9536098.